The following is an entry in ClinVar:

NM_000466.3(PEX1):c.2227-7dup

Gene: PEX1 (peroxisomal biogenesis factor 1; minus strand). Cytogenetic location: 7q21.2.
Variant type: Duplication.
Coding change: c.2227-7dup on transcript NM_000466.3 (MANE Select); 7 bases into the intron before coding-DNA position 2227, one base duplicated (T; older notation c.2227-7dupT).
Molecular consequence: intron variant.
Genome position (GRCh38, 1-based): chr7:92,502,086, A duplicated on the plus strand (T on the coding strand, the reverse complement: PEX1 is on the minus strand); the first of 7 consecutive A bases (chr7:92,502,086-92,502,092); duplicating any one gives the same sequence. VCF-style (leftmost placement, unchanged base first): chr7-92502085-G-GA. GRCh37 (hg19) VCF-style: chr7-92131399-G-GA.
Other names: c.2056-7dup (NM_001282677.2); c.1603-7dup (NM_001282678.2).
Identifiers: ClinVar variation 4984805 (VCV004984805.1).

ClinVar aggregate classification (germline): Likely benign (1 of 4 stars; one submission).

Conditions:
PEX1-related disorder. Also called: PEX1-related condition.

Submission:

PreventionGenetics, part of Exact Sciences
Classification: Likely benign for PEX1-related condition. Last evaluated: 2025-10-14. Review status: criteria provided, single submitter. Criteria: ACMG Guidelines, 2015. Collection method: clinical testing. Allele origin: germline.
Comment: This variant is classified as likely benign based on ACMG/AMP sequence variant interpretation guidelines (Richards et al. 2015 PMID: 25741868, with internal and published modifications).